The following is an entry in ClinVar:

NM_000283.4(PDE6B):c.2470_2478del (p.Lys824_Glu826del)

Gene: PDE6B (phosphodiesterase 6B; plus strand). Cytogenetic location: 4p16.3.
Variant type: Deletion.
Coding change: c.2470_2478del on transcript NM_000283.4 (MANE Select); coding-DNA positions 2470 to 2478, 9 bases deleted (AAGGAGGAG; older notation c.2470_2478delAAGGAGGAG).
Protein change: p.Lys824_Glu826del.
Molecular consequence: inframe deletion. On other transcripts: intron variant (2).
Genome position (GRCh38, 1-based): chr4:667,973-667,981, AAGGAGGAG deleted; deleting any 9 consecutive bases within chr4:667,966-667,981 gives the same sequence; the c. name uses the placement nearest the transcript's 3' end. VCF-style (leftmost placement, unchanged base first): chr4-667965-TGGAGGAGAA-T. GRCh37 (hg19) VCF-style: chr4-661754-TGGAGGAGAA-T.
Other names: c.2470_2478del, p.Lys824_Glu826del (NM_001145291.2); c.1633_1641del, p.Lys545_Glu547del (NM_001145292.2, NM_001379246.1, NM_001379247.1); c.1601+32_1601+40del (NM_001350154.3); c.1283+32_1283+40del (NM_001350155.3).
Identifiers: ClinVar variation 1042224 (VCV001042224.12), dbSNP rs752433299, ClinGen allele CA2795066.

ClinVar aggregate classification (germline): Uncertain significance. Review status: criteria provided, multiple submitters, no conflicts (2 of 4 stars). 3 submissions from 3 submitters: Uncertain significance (3). Last evaluated 2025-12-21.

Submissions (3):

Labcorp Genetics (formerly Invitae), Labcorp
Classification: Uncertain significance. Last evaluated: 2025-12-21. Review status: criteria provided, single submitter. Criteria: Invitae Variant Classification Sherloc (09022015). Collection method: clinical testing. Allele origin: germline.
Comment: This variant, c.2470_2478del, results in the deletion of 3 amino acid(s) of the PDE6B protein (p.Lys824_Glu826del), but otherwise preserves the integrity of the reading frame. This variant is present in population databases (rs752433299, gnomAD 0.1%), including at least one homozygous and/or hemizygous individual. This variant has been observed in individual(s) with retinitis pigmentosa (PMID: 34327195). ClinVar contains an entry for this variant (Variation ID: 1042224). Experimental studies and prediction algorithms are not available or were not evaluated, and the functional significance of this variant is currently unknown. In summary, the available evidence is currently insufficient to determine the role of this variant in disease. Therefore, it has been classified as a Variant of Uncertain Significance.

Blueprint Genetics
Classification: Uncertain significance. Last evaluated: 2024-08-20. Review status: criteria provided, single submitter. Criteria: ACMG Guidelines, 2015. Collection method: clinical testing. Allele origin: germline.

GeneDx
Classification: Uncertain significance. Last evaluated: 2019-07-31. Review status: criteria provided, single submitter. Criteria: GeneDx Variant Classification Process June 2021. Collection method: clinical testing. Allele origin: germline. Affected: yes.
Comment: In-frame deletion of 3 amino acids in a non-repeat region; In silico analysis, which includes protein predictors and evolutionary conservation, supports a deleterious effect; Has not been previously published as pathogenic or benign to our knowledge

Literature cited by the submitters: PubMed 34327195 (cited by Labcorp Genetics (formerly Invitae), Labcorp).